The following is an entry in ClinVar:

ClinVar aggregate classification (germline): Uncertain significance (1 of 4 stars; one submission).

Conditions:
Bethlem myopathy 1A. Also called: Bethlem Muscular Dystrophy; Bethlem myopathy 1; MYOPATHY, BENIGN CONGENITAL, WITH CONTRACTURES. Identifiers: Orphanet 610, MedGen CN029274, MONDO:0024530, OMIM 158810.

Allele frequency attached by ClinVar (database versions not stated): gnomAD exomes below 0.00001.
gnomAD v4.1: 2 of 1,614,182 alleles (0.00012%); highest among the groups gnomAD compares: Non-Finnish European, 0.00017%; no homozygotes.

Submission:

Labcorp Genetics (formerly Invitae), Labcorp
Classification: Uncertain significance for Bethlem myopathy 1A. Last evaluated: 2018-09-13. Review status: criteria provided, single submitter. Criteria: Invitae Variant Classification Sherloc (09022015). Collection method: clinical testing. Allele origin: germline.
Comment: In summary, the available evidence is currently insufficient to determine the role of this variant in disease. Therefore, it has been classified as a Variant of Uncertain Significance. Algorithms developed to predict the effect of missense changes on protein structure and function are either unavailable or do not agree on the potential impact of this missense change (SIFT: "Tolerated"; PolyPhen-2: "Probably Damaging"; Align-GVGD: "Class C0"). This variant has not been reported in the literature in individuals with COL6A3-related disease. This variant is not present in population databases (ExAC no frequency). This sequence change replaces asparagine with aspartic acid at codon 792 of the COL6A3 protein (p.Asn792Asp). The asparagine residue is moderately conserved and there is a small physicochemical difference between asparagine and aspartic acid.

NM_004369.4(COL6A3):c.2374A>G (p.Asn792Asp)

Gene: COL6A3 (collagen type VI alpha 3 chain; minus strand). Cytogenetic location: 2q37.3.
Variant type: single nucleotide variant.
Coding change: c.2374A>G on transcript NM_004369.4 (MANE Select); coding-DNA position 2374, A replaced by G.
Protein change: p.Asn792Asp; replaces asparagine 792 with aspartic acid.
Molecular consequence: missense variant. On other transcripts: intron variant (1).
Genome position (GRCh38, 1-based): chr2:237,378,759, T>C on the plus strand (A>G on the coding strand, the complement: COL6A3 is on the minus strand). VCF-style: chr2-237378759-T-C. GRCh37 (hg19) VCF-style: chr2-238287402-T-C.
Other names: c.1153A>G, p.Asn385Asp (NM_057164.5); c.1756A>G, p.Asn586Asp (NM_057165.5, NM_057167.4); c.677-1415A>G (NM_057166.5); short protein forms N385D, N586D, N792D.
Identifiers: ClinVar variation 658203 (VCV000658203.9), dbSNP rs1574719707, ClinGen allele CA351212960.